The following is an entry in ClinVar:

ClinVar aggregate classification (germline): Uncertain significance (1 of 4 stars; one submission).

Conditions:
Hereditary cancer-predisposing syndrome. Also called: Hereditary neoplastic syndrome; Neoplastic Syndromes, Hereditary; Tumor predisposition; Hereditary Cancer Syndrome. Identifiers: Orphanet 140162, MedGen C0027672, MeSH D009386, MONDO:0015356.

Submission:

Labcorp Genetics (formerly Invitae), Labcorp
Classification: Uncertain significance for Hereditary cancer-predisposing syndrome. Last evaluated: 2022-02-19. Review status: criteria provided, single submitter. Criteria: Invitae Variant Classification Sherloc (09022015). Collection method: clinical testing. Allele origin: germline.
Comment: In summary, the available evidence is currently insufficient to determine the role of this variant in disease. Therefore, it has been classified as a Variant of Uncertain Significance. Algorithms developed to predict the effect of missense changes on protein structure and function are either unavailable or do not agree on the potential impact of this missense change (SIFT: "Tolerated"; PolyPhen-2: "Possibly Damaging"; Align-GVGD: "Class C0"). This variant has not been reported in the literature in individuals affected with RAD50-related conditions. This variant is not present in population databases (gnomAD no frequency). This sequence change replaces methionine, which is neutral and non-polar, with isoleucine, which is neutral and non-polar, at codon 140 of the RAD50 protein (p.Met140Ile).

NM_005732.4(RAD50):c.420G>A (p.Met140Ile)

Gene: RAD50 (RAD50 double strand break repair protein; plus strand). Cytogenetic location: 5q31.1.
Variant type: single nucleotide variant.
Coding change: c.420G>A on transcript NM_005732.4 (MANE Select); coding-DNA position 420, G replaced by A.
Protein change: p.Met140Ile; replaces methionine 140 with isoleucine.
Molecular consequence: missense variant.
Genome position (GRCh38, 1-based): chr5:132,579,371, G>A. VCF-style: chr5-132579371-G-A. GRCh37 (hg19) VCF-style: chr5-131915063-G-A.
Other names: short protein forms M140I.
Identifiers: ClinVar variation 2099189 (VCV002099189.4), dbSNP rs1580987183, ClinGen allele CA360933780.